The following is an entry in ClinVar:

ClinVar aggregate classification (germline): Uncertain significance (1 of 4 stars; one submission).

Conditions:
Aortic valve disease 2 (AOVD2). Identifiers: MedGen C3542024, MONDO:0013902, OMIM 614823.

Submission:

Labcorp Genetics (formerly Invitae), Labcorp
Classification: Uncertain significance for Aortic valve disease 2. Last evaluated: 2024-11-05. Review status: criteria provided, single submitter. Criteria: Invitae Variant Classification Sherloc (09022015). Collection method: clinical testing. Allele origin: germline.
Comment: This sequence change replaces methionine, which is neutral and non-polar, with isoleucine, which is neutral and non-polar, at codon 83 of the TBX5 protein (p.Met83Ile). This variant is not present in population databases (gnomAD no frequency). This variant has not been reported in the literature in individuals affected with TBX5-related conditions. ClinVar contains an entry for this variant (Variation ID: 1982016). Invitae Evidence Modeling of protein sequence and biophysical properties (such as structural, functional, and spatial information, amino acid conservation, physicochemical variation, residue mobility, and thermodynamic stability) has been performed for this missense variant. However, the output from this modeling did not meet the statistical confidence thresholds required to predict the impact of this variant on TBX5 protein function. In summary, the available evidence is currently insufficient to determine the role of this variant in disease. Therefore, it has been classified as a Variant of Uncertain Significance.

NM_181486.4(TBX5):c.249G>A (p.Met83Ile)

Gene: TBX5 (T-box transcription factor 5; minus strand). Cytogenetic location: 12q24.21.
Variant type: single nucleotide variant.
Coding change: c.249G>A on transcript NM_181486.4 (MANE Select); coding-DNA position 249, G replaced by A.
Protein change: p.Met83Ile; replaces methionine 83 with isoleucine.
Molecular consequence: missense variant.
Genome position (GRCh38, 1-based): chr12:114,399,626, C>T on the plus strand (G>A on the coding strand, the complement: TBX5 is on the minus strand). VCF-style: chr12-114399626-C-T. GRCh37 (hg19) VCF-style: chr12-114837431-C-T.
Other names: c.249G>A, p.Met83Ile (NM_000192.3); c.99G>A, p.Met33Ile (NM_080717.4); short protein forms M33I, M83I.
Identifiers: ClinVar variation 1982016 (VCV001982016.4), dbSNP rs1871672543, ClinGen allele CA386862926.
Genomic context (GRCh38, chr12:114,399,626, plus strand): 5'-GAGAAGAATGTACTTCGTTTTGGGATTAAGGCCCGTCACCTTCACTTTGTAACTGGGAAA[C>T]ATCCGCCTAAGAGAGAGGGACGGAGGGAGAGAGGGGGGCGGGAATTAATGCCAGTATTTT-3'
Protein context (NP_852259.1, residues 73-93): EMIITKAGRR[Met83Ile]FPSYKVKVTG